The following is an entry in ClinVar:

NM_020812.4(DOCK6):c.4097G>A (p.Arg1366His)

Genes: DOCK6 (dedicator of cytokinesis 6; minus strand), DOCK6-AS1 (DOCK6 antisense RNA 1; plus strand). Cytogenetic location: 19p13.2.
Variant type: single nucleotide variant.
Coding change: c.4097G>A on transcript NM_020812.4 (MANE Select); coding-DNA position 4097, G replaced by A.
Protein change: p.Arg1366His; replaces arginine 1366 with histidine.
Molecular consequence: missense variant.
Genome position (GRCh38, 1-based): chr19:11,215,396, C>T on the plus strand (G>A on the coding strand, the complement: DOCK6 is on the minus strand). VCF-style: chr19-11215396-C-T. GRCh37 (hg19) VCF-style: chr19-11326072-C-T.
Other names: c.4202G>A, p.Arg1401His (NM_001367830.1); short protein forms R1401H, R1366H.
Identifiers: ClinVar variation 2049246 (VCV002049246.2), dbSNP rs192428488, ClinGen allele CA9207000.

ClinVar aggregate classification (germline): Uncertain significance (1 of 4 stars; one submission).

Allele frequency attached by ClinVar (database versions not stated): gnomAD exomes 0.00002; ExAC 0.00008; gnomAD 0.00014; TOPMed 0.00016; ESP Exome Variant Server 0.00024; 1000 Genomes Project 0.00040; 1000 Genomes Project 30x 0.00047.
gnomAD v4.1: 57 of 1,613,642 alleles (0.0035%); highest among the groups gnomAD compares: African/African-American, 0.057%; no homozygotes.

Submission:

Labcorp Genetics (formerly Invitae), Labcorp
Classification: Uncertain significance. Last evaluated: 2024-10-15. Review status: criteria provided, single submitter. Criteria: Invitae Variant Classification Sherloc (09022015). Collection method: clinical testing. Allele origin: germline.
Comment: This sequence change replaces arginine, which is basic and polar, with histidine, which is basic and polar, at codon 1366 of the DOCK6 protein (p.Arg1366His). This variant is present in population databases (rs192428488, gnomAD 0.05%). This missense change has been observed in individual(s) with clinical features of congenital heart disease. However, a second variant was not observed (PMID: 33448881). ClinVar contains an entry for this variant (Variation ID: 2049246). Invitae Evidence Modeling of protein sequence and biophysical properties (such as structural, functional, and spatial information, amino acid conservation, physicochemical variation, residue mobility, and thermodynamic stability) indicates that this missense variant is not expected to disrupt DOCK6 protein function with a negative predictive value of 80%. In summary, the available evidence is currently insufficient to determine the role of this variant in disease. Therefore, it has been classified as a Variant of Uncertain Significance.

Literature cited by the submitters: PubMed 33448881.